The following is an entry in ClinVar:

NM_001040167.2(LFNG):c.214C>T (p.His72Tyr)

Gene: LFNG (LFNG O-fucosylpeptide 3-beta-N-acetylglucosaminyltransferase; plus strand). Cytogenetic location: 7p22.3.
Variant type: single nucleotide variant.
Coding change: c.214C>T on transcript NM_001040167.2 (MANE Select); coding-DNA position 214, C replaced by T.
Protein change: p.His72Tyr; replaces histidine 72 with tyrosine.
Molecular consequence: missense variant. On other transcripts: intron variant (2).
Genome position (GRCh38, 1-based): chr7:2,520,075, C>T. VCF-style: chr7-2520075-C-T. GRCh37 (hg19) VCF-style: chr7-2559709-C-T.
Other names: c.214C>T, p.His72Tyr (NM_001040168.2); c.220-4620C>T (NM_001166355.2); c.45+1477C>T (NM_002304.3); short protein forms H72Y.
Identifiers: ClinVar variation 1431247 (VCV001431247.6), dbSNP rs1779742939, ClinGen allele CA366613379.
Genomic context (GRCh38, chr7:2,520,075, plus strand): 5'-GCCCCGGCGCCCGGGCTGGGGGCGGCGGCGGCGGCGCCCGGGGCGCTGGTCCGCGACGTG[C>T]ACAGTCTGTCCGAGTACTTCAGCCTGCTCACCCGCGCGCGCAGAGATGCGGGCCCGCCGC-3'
Protein context (NP_001035257.1, residues 62-82): AAPGALVRDV[His72Tyr]SLSEYFSLLT

ClinVar aggregate classification (germline): Uncertain significance (1 of 4 stars; one submission).

Conditions:
Spondylocostal dysostosis 3, autosomal recessive (SCDO3). Also called: LFNG-Related Spondylocostal Dysostosis, Autosomal Recessive. Identifiers: Orphanet 2311, MedGen C1853296, MONDO:0012349, OMIM 609813.

Allele frequency attached by ClinVar (database versions not stated): gnomAD exomes below 0.00001; TOPMed 0.00001.
gnomAD v4.1: 1 of 1,264,410 alleles (0.000079%); highest among the groups gnomAD compares: Non-Finnish European, 0.0001%; no homozygotes.

Submission:

Labcorp Genetics (formerly Invitae), Labcorp
Classification: Uncertain significance for Spondylocostal dysostosis 3, autosomal recessive. Last evaluated: 2022-08-22. Review status: criteria provided, single submitter. Criteria: Invitae Variant Classification Sherloc (09022015). Collection method: clinical testing. Allele origin: germline.
Comment: In summary, the available evidence is currently insufficient to determine the role of this variant in disease. Therefore, it has been classified as a Variant of Uncertain Significance. Algorithms developed to predict the effect of missense changes on protein structure and function (SIFT, PolyPhen-2, Align-GVGD) all suggest that this variant is likely to be tolerated. ClinVar contains an entry for this variant (Variation ID: 1431247). This variant has not been reported in the literature in individuals affected with LFNG-related conditions. This variant is not present in population databases (gnomAD no frequency). This sequence change replaces histidine, which is basic and polar, with tyrosine, which is neutral and polar, at codon 72 of the LFNG protein (p.His72Tyr).